The following is an entry in ClinVar:

NM_001277115.2(DNAH11):c.11308C>T (p.Leu3770Phe)

Gene: DNAH11 (dynein axonemal heavy chain 11; plus strand). Cytogenetic location: 7p15.3.
Variant type: single nucleotide variant.
Coding change: c.11308C>T on transcript NM_001277115.2 (MANE Select); coding-DNA position 11308, C replaced by T.
Protein change: p.Leu3770Phe; replaces leucine 3770 with phenylalanine.
Molecular consequence: missense variant.
Genome position (GRCh38, 1-based): chr7:21,861,958, C>T. VCF-style: chr7-21861958-C-T. GRCh37 (hg19) VCF-style: chr7-21901576-C-T.
Other names: short protein forms L3770F.
Identifiers: ClinVar variation 3272608 (VCV003272608.1).
Genomic context (GRCh38, chr7:21,861,958, plus strand): 5'-GTGGAAGACATGCAGGGACGCATCTCTATCCTGATGGAGAGCATCACCCATGCTGTCTTC[C>T]TCTACACCAGCCAGGCGCTGTTTGAGAAGGACAAGCTCACCTTCCTGTCCCAGATGGCTT-3'
Protein context (NP_001264044.1, residues 3760-3780): LMESITHAVF[Leu3770Phe]YTSQALFEKD

ClinVar aggregate classification (germline): Uncertain significance (1 of 4 stars; one submission).

Conditions:
Primary ciliary dyskinesia. Also called: Ciliary dyskinesia. Identifiers: Orphanet 244, MedGen C0008780, MONDO:0016575, HP:0012265.

Submission:

Ambry Genetics
Classification: Uncertain significance for Primary ciliary dyskinesia. Last evaluated: 2024-04-21. Review status: criteria provided, single submitter. Criteria: Ambry Variant Classification Scheme 2023. Collection method: clinical testing. Allele origin: germline.
Comment: The p.L3770F variant (also known as c.11308C>T), located in coding exon 69 of the DNAH11 gene, results from a C to T substitution at nucleotide position 11308. The leucine at codon 3770 is replaced by phenylalanine, an amino acid with highly similar properties. This amino acid position is conserved. In addition, this alteration is predicted to be tolerated by in silico analysis. Based on the available evidence, the clinical significance of this variant remains unclear.